The following is an entry in ClinVar:

ClinVar aggregate classification (germline): Conflicting classifications of pathogenicity. Review status: criteria provided, conflicting classifications (1 of 4 stars). 3 submissions from 3 submitters: Likely pathogenic (1); Uncertain significance (2). Last evaluated 2024-06-21.

Conditions:
Spinocerebellar ataxia type 15/16 (SCA15). Also called: Spinocerebellar Ataxia Type 15. Identifiers: Orphanet 98769, MedGen C1847725, MONDO:0011694, OMIM 606658.

Submissions (3):

GeneDx
Classification: Uncertain significance. Last evaluated: 2024-06-21. Review status: criteria provided, single submitter. Criteria: GeneDx Variant Classification Process June 2021. Collection method: clinical testing. Allele origin: germline. Affected: yes.
Comment: Not observed at significant frequency in large population cohorts (gnomAD); In silico analysis supports that this missense variant has a deleterious effect on protein structure/function; Has not been previously published as pathogenic or benign to our knowledge

Labcorp Genetics (formerly Invitae), Labcorp
Classification: Uncertain significance. Last evaluated: 2022-03-26. Review status: criteria provided, single submitter. Criteria: Invitae Variant Classification Sherloc (09022015). Collection method: clinical testing. Allele origin: germline.
Comment: In summary, the available evidence is currently insufficient to determine the role of this variant in disease. Therefore, it has been classified as a Variant of Uncertain Significance. Algorithms developed to predict the effect of missense changes on protein structure and function are either unavailable or do not agree on the potential impact of this missense change (SIFT: "Deleterious"; PolyPhen-2: "Possibly Damaging"; Align-GVGD: "Class C0"). This variant has not been reported in the literature in individuals affected with ITPR1-related conditions. This variant is not present in population databases (gnomAD no frequency). This sequence change replaces glutamic acid, which is acidic and polar, with lysine, which is basic and polar, at codon 2370 of the ITPR1 protein (p.Glu2370Lys).

Mendelics
Classification: Likely pathogenic for Spinocerebellar ataxia type 15/16. Review status: criteria provided, single submitter. Criteria: ACMG Guidelines, 2015. Collection method: clinical testing. Allele origin: de novo.
Comment: Variant is absent in gnomADv4, predicted deleterious by AlphaMissense and REVEL; and ‘de novo’ with parental relationships confirmed.

NM_001378452.1(ITPR1):c.7297G>A (p.Glu2433Lys)

Gene: ITPR1 (inositol 1,4,5-trisphosphate receptor type 1; plus strand). Cytogenetic location: 3p26.1.
Variant type: single nucleotide variant.
Coding change: c.7297G>A on transcript NM_001378452.1 (MANE Select); coding-DNA position 7297, G replaced by A.
Protein change: p.Glu2433Lys; replaces glutamic acid 2433 with lysine.
Molecular consequence: missense variant.
Genome position (GRCh38, 1-based): chr3:4,811,289, G>A. VCF-style: chr3-4811289-G-A. GRCh37 (hg19) VCF-style: chr3-4852973-G-A.
Other names: c.7153G>A, p.Glu2385Lys (NM_001099952.4); c.7252G>A, p.Glu2418Lys (NM_001168272.2); c.7108G>A, p.Glu2370Lys (NM_002222.7); c.7108G>A (NM_002222.5); short protein forms E2385K, E2418K, E2370K, E2433K.
Identifiers: ClinVar variation 2117186 (VCV002117186.6), dbSNP rs2470165746, ClinGen allele CA351647508.